The following is an entry in ClinVar:

ClinVar aggregate classification (germline): Uncertain significance. Review status: criteria provided, multiple submitters, no conflicts (2 of 4 stars). 2 submissions from 2 submitters: Uncertain significance (2). Last evaluated 2025-11-25.

Conditions:
Hypertrophic cardiomyopathy 1 (CMH1). Also called: Familial hypertrophic cardiomyopathy 1; MYH7-Related Familial Hypertrophic Cardiomyopathy. Identifiers: MedGen C3495498, MONDO:0008647, OMIM 192600.

Allele frequency attached by ClinVar (database versions not stated): gnomAD exomes below 0.00001.
gnomAD v4.1: 1 of 1,614,104 alleles (0.000062%); highest among the groups gnomAD compares: Non-Finnish European, 0.000085%; no homozygotes.

Submissions (2):

Women's Health and Genetics/Laboratory Corporation of America, LabCorp
Classification: Uncertain significance. Last evaluated: 2025-11-25. Review status: criteria provided, single submitter. Criteria: LabCorp Variant Classification Summary - May 2015. Collection method: clinical testing. Allele origin: germline.

Labcorp Genetics (formerly Invitae), Labcorp
Classification: Uncertain significance for Hypertrophic cardiomyopathy 1. Last evaluated: 2022-11-22. Review status: criteria provided, single submitter. Criteria: Invitae Variant Classification Sherloc (09022015). Collection method: clinical testing. Allele origin: germline.
Comment: This variant is not present in population databases (gnomAD no frequency). This sequence change replaces tyrosine, which is neutral and polar, with histidine, which is basic and polar, at codon 473 of the MYLK2 protein (p.Tyr473His). This variant has not been reported in the literature in individuals affected with MYLK2-related conditions. In summary, the available evidence is currently insufficient to determine the role of this variant in disease. Therefore, it has been classified as a Variant of Uncertain Significance. Advanced modeling of protein sequence and biophysical properties (such as structural, functional, and spatial information, amino acid conservation, physicochemical variation, residue mobility, and thermodynamic stability) performed at Invitae indicates that this missense variant is expected to disrupt MYLK2 protein function.

NM_033118.4(MYLK2):c.1417T>C (p.Tyr473His)

Gene: MYLK2 (myosin light chain kinase 2; plus strand). Cytogenetic location: 20q11.21.
Variant type: single nucleotide variant.
Coding change: c.1417T>C on transcript NM_033118.4 (MANE Select); coding-DNA position 1417, T replaced by C.
Protein change: p.Tyr473His; replaces tyrosine 473 with histidine.
Molecular consequence: missense variant.
Genome position (GRCh38, 1-based): chr20:31,831,134, T>C. VCF-style: chr20-31831134-T-C. GRCh37 (hg19) VCF-style: chr20-30418937-T-C.
Other names: short protein forms Y473H.
Identifiers: ClinVar variation 2792084 (VCV002792084.4), dbSNP rs2515460441, ClinGen allele CA408527845.
Genomic context (GRCh38, chr20:31,831,134, plus strand): 5'-GTGGTGAATTATGACCAAATCTCCGATAAGACAGACATGTGGAGTATGGGGGTGATCACC[T>C]ACATGCTGTGAGCTCCCAGGCGGGTCGTGTTTATGGGGTTGGTGGGGCATGGGGGCGAGC-3'
Protein context (NP_149109.1, residues 463-483): TDMWSMGVIT[Tyr473His]MLLSGLSPFL